The following is an entry in ClinVar:

NM_014946.4(SPAST):c.1499T>G (p.Phe500Cys)

Gene: SPAST (spastin; plus strand). Cytogenetic location: 2p22.3.
Variant type: single nucleotide variant.
Coding change: c.1499T>G on transcript NM_014946.4 (MANE Select); coding-DNA position 1499, T replaced by G.
Protein change: p.Phe500Cys; replaces phenylalanine 500 with cysteine.
Molecular consequence: missense variant.
Genome position (GRCh38, 1-based): chr2:32,141,909, T>G. VCF-style: chr2-32141909-T-G. GRCh37 (hg19) VCF-style: chr2-32366978-T-G.
Other names: c.1496T>G, p.Phe499Cys (NM_001363823.2); c.1400T>G, p.Phe467Cys (NM_001363875.2); c.1403T>G, p.Phe468Cys (NM_001377959.1, NM_199436.2); short protein forms F467C, F499C, F500C, F468C.
Identifiers: ClinVar variation 864060 (VCV000864060.1), dbSNP rs1679732057, ClinGen allele CA346502836.

ClinVar aggregate classification (germline): Uncertain significance (1 of 4 stars; one submission).

Conditions:
Hereditary spastic paraplegia 4. Also called: Spastic paraplegia 4, autosomal dominant; Spastic Paraplegia 4; Familial spastic paraplegia autosomal dominant 2. Identifiers: Orphanet 100985, MedGen C1866855, MONDO:0008438, OMIM 182601.

Submission:

Labcorp Genetics (formerly Invitae), Labcorp
Classification: Uncertain significance for Spastic paraplegia 4, autosomal dominant. Last evaluated: 2019-11-25. Review status: criteria provided, single submitter. Criteria: Invitae Variant Classification Sherloc (09022015). Collection method: clinical testing. Allele origin: germline.
Comment: This sequence change replaces phenylalanine with cysteine at codon 500 of the SPAST protein (p.Phe500Cys). The phenylalanine residue is highly conserved and there is a large physicochemical difference between phenylalanine and cysteine. This variant is not present in population databases (ExAC no frequency). This variant has not been reported in the literature in individuals with SPAST-related conditions. Algorithms developed to predict the effect of missense changes on protein structure and function (SIFT, PolyPhen-2, Align-GVGD) all suggest that this variant is likely to be disruptive, but these predictions have not been confirmed by published functional studies and their clinical significance is uncertain. In summary, the available evidence is currently insufficient to determine the role of this variant in disease. Therefore, it has been classified as a Variant of Uncertain Significance.